The following is an entry in ClinVar:

NM_004380.3(CREBBP):c.4771A>G (p.Lys1591Glu)

Gene: CREBBP (CREB binding protein; minus strand). Cytogenetic location: 16p13.3.
Variant type: single nucleotide variant.
Coding change: c.4771A>G on transcript NM_004380.3 (MANE Select); coding-DNA position 4771, A replaced by G.
Protein change: p.Lys1591Glu; replaces lysine 1591 with glutamic acid.
Molecular consequence: missense variant.
Genome position (GRCh38, 1-based): chr16:3,731,895, T>C on the plus strand (A>G on the coding strand, the complement: CREBBP is on the minus strand). VCF-style: chr16-3731895-T-C. GRCh37 (hg19) VCF-style: chr16-3781896-T-C.
Other names: c.4657A>G, p.Lys1553Glu (NM_001079846.1); short protein forms K1553E, K1591E.
Identifiers: ClinVar variation 1310581 (VCV001310581.2), dbSNP rs2151319554, ClinGen allele CA394560150.

ClinVar aggregate classification (germline): Uncertain significance (1 of 4 stars; one submission).

Submission:

GeneDx
Classification: Uncertain significance. Last evaluated: 2019-09-06. Review status: criteria provided, single submitter. Criteria: GeneDx Variant Classification Process June 2021. Collection method: clinical testing. Allele origin: germline. Affected: yes.
Comment: Has not been previously published as pathogenic or benign to our knowledge; In silico analysis, which includes protein predictors and evolutionary conservation, supports a deleterious effect; Not observed in large population cohorts (Lek et al., 2016)